The following is an entry in ClinVar:

ClinVar aggregate classification (germline): Likely benign. Review status: criteria provided, multiple submitters, no conflicts (2 of 4 stars). 3 submissions from 3 submitters: Likely benign (3). Last evaluated 2025-09-04.

Conditions:
PRDM13-related disorder. Also called: PRDM13-related condition.

Allele frequency attached by ClinVar (database versions not stated): gnomAD exomes 0.00004; 1000 Genomes Project 30x 0.00016; TOPMed 0.00031; gnomAD 0.00035 and 0.00037.
gnomAD v4.1: 105 of 1,511,014 alleles (0.0069%); highest among the groups gnomAD compares: African/African-American, 0.11%; no homozygotes.

Submissions (3):

Labcorp Genetics (formerly Invitae), Labcorp
Classification: Likely benign. Last evaluated: 2025-09-04. Review status: criteria provided, single submitter. Criteria: Invitae Variant Classification Sherloc (09022015). Collection method: clinical testing. Allele origin: germline.

PreventionGenetics, part of Exact Sciences
Classification: Likely benign for PRDM13-related condition. Last evaluated: 2025-02-26. Review status: criteria provided, single submitter. Criteria: ACMG Guidelines, 2015. Collection method: clinical testing. Allele origin: germline.
Comment: This variant is classified as likely benign based on ACMG/AMP sequence variant interpretation guidelines (Richards et al. 2015 PMID: 25741868, with internal and published modifications).

Blueprint Genetics
Classification: Likely benign. Last evaluated: 2024-06-27. Review status: criteria provided, single submitter. Criteria: ACMG Guidelines, 2015. Collection method: clinical testing. Allele origin: germline.

NM_021620.4(PRDM13):c.1188G>A (p.Pro396=)

Gene: PRDM13 (PR/SET domain 13; plus strand). Cytogenetic location: 6q16.2.
Variant type: single nucleotide variant.
Coding change: c.1188G>A on transcript NM_021620.4 (MANE Select); coding-DNA position 1188, G replaced by A.
Protein change: p.Pro396=; no amino-acid change (proline 396 retained).
Molecular consequence: synonymous variant.
Genome position (GRCh38, 1-based): chr6:99,613,823, G>A. VCF-style: chr6-99613823-G-A. GRCh37 (hg19) VCF-style: chr6-100061699-G-A.
Identifiers: ClinVar variation 851097 (VCV000851097.10), dbSNP rs1014994212, ClinGen allele CA143975533.